The following is an entry in ClinVar:

ClinVar aggregate classification (germline): Uncertain significance (1 of 4 stars; one submission).

Allele frequency attached by ClinVar (database versions not stated): gnomAD 0.00001; ExAC 0.00001.
gnomAD v4.1: 5 of 1,611,354 alleles (0.00031%); highest among the groups gnomAD compares: East Asian, 0.0022%; no homozygotes.

Submission:

Labcorp Genetics (formerly Invitae), Labcorp
Classification: Uncertain significance. Last evaluated: 2024-04-17. Review status: criteria provided, single submitter. Criteria: Invitae Variant Classification Sherloc (09022015). Collection method: clinical testing. Allele origin: germline.
Comment: This sequence change replaces histidine, which is basic and polar, with arginine, which is basic and polar, at codon 761 of the LRPPRC protein (p.His761Arg). The frequency data for this variant in the population databases is considered unreliable, as metrics indicate poor data quality at this position in the gnomAD database. This variant has not been reported in the literature in individuals affected with LRPPRC-related conditions. ClinVar contains an entry for this variant (Variation ID: 1937239). Advanced modeling of protein sequence and biophysical properties (such as structural, functional, and spatial information, amino acid conservation, physicochemical variation, residue mobility, and thermodynamic stability) performed at Invitae indicates that this missense variant is not expected to disrupt LRPPRC protein function with a negative predictive value of 80%. In summary, the available evidence is currently insufficient to determine the role of this variant in disease. Therefore, it has been classified as a Variant of Uncertain Significance.

NM_133259.4(LRPPRC):c.2282A>G (p.His761Arg)

Gene: LRPPRC (leucine rich pentatricopeptide repeat containing; minus strand). Cytogenetic location: 2p21.
Variant type: single nucleotide variant.
Coding change: c.2282A>G on transcript NM_133259.4 (MANE Select); coding-DNA position 2282, A replaced by G.
Protein change: p.His761Arg; replaces histidine 761 with arginine.
Molecular consequence: missense variant.
Genome position (GRCh38, 1-based): chr2:43,945,346, T>C on the plus strand (A>G on the coding strand, the complement: LRPPRC is on the minus strand). VCF-style: chr2-43945346-T-C. GRCh37 (hg19) VCF-style: chr2-44172485-T-C.
Other names: short protein forms H761R.
Identifiers: ClinVar variation 1937239 (VCV001937239.5), dbSNP rs775365237, ClinGen allele CA1638521.
Genomic context (GRCh38, chr2:43,945,346, plus strand): 5'-GGCAAGATACTTGCATCACATATTTCCTTTATGTGCTGAGGCTTACCTTGGAGCTTGCCA[T>C]GCTTTGCCAATACTCTTACAAGGCCTACATACTTGCCGGTGTCAAGGACAGCAGATGAAT-3'
Protein context (NP_573566.2, residues 751-771): YVGLVRVLAK[His761Arg]GKLQDAINIL